The following is an entry in ClinVar:

ClinVar aggregate classification (germline): Uncertain significance. Review status: criteria provided, multiple submitters, no conflicts (2 of 4 stars). 4 submissions from 4 submitters: Uncertain significance (4). Last evaluated 2023-06-30.

Conditions:
Inborn genetic diseases. Identifiers: MedGen C0950123, MeSH D030342.
Imerslund-Grasbeck syndrome. Also called: Imerslund-Gräsbeck syndrome; ENTEROCYTE COBALAMIN MALABSORPTION; ENTEROCYTE INTRINSIC FACTOR RECEPTOR, DEFECT OF; PERNICIOUS ANEMIA, JUVENILE, DUE TO SELECTIVE INTESTINAL MALABSORPTION OF VITAMIN B12, WITH PROTEINURIA; Megaloblastic anemia due to inborn errors of metabolism. Identifiers: Orphanet 35858, MedGen C4551825, MONDO:0009853.
Imerslund-Grasbeck syndrome type 1 (IGS1). Also called: Megaloblastic anemia 1, Finnish type; Imerslund-Gräsbeck syndrome 1; MEGALOBLASTIC ANEMIA, 1. Identifiers: MedGen C4016819, MONDO:0100156, OMIM 261100.

Allele frequency attached by ClinVar (database versions not stated): ExAC 0.00008; gnomAD exomes 0.00002.
gnomAD v4.1: 36 of 1,601,204 alleles (0.0022%); highest among the groups gnomAD compares: Middle Eastern, 0.068%; no homozygotes.

Submissions (4):

Ambry Genetics
Classification: Uncertain significance for Inborn genetic diseases. Last evaluated: 2023-06-30. Review status: criteria provided, single submitter. Criteria: Ambry Variant Classification Scheme 2023. Collection method: clinical testing. Allele origin: germline.

Labcorp Genetics (formerly Invitae), Labcorp
Classification: Uncertain significance for Imerslund-Grasbeck syndrome. Last evaluated: 2022-10-24. Review status: criteria provided, single submitter. Criteria: Invitae Variant Classification Sherloc (09022015). Collection method: clinical testing. Allele origin: germline.
Comment: This sequence change replaces valine, which is neutral and non-polar, with isoleucine, which is neutral and non-polar, at codon 442 of the AMN protein (p.Val442Ile). The frequency data for this variant in the population databases is considered unreliable, as metrics indicate poor data quality at this position in the gnomAD database. This variant has not been reported in the literature in individuals affected with AMN-related conditions. ClinVar contains an entry for this variant (Variation ID: 1032915). Advanced modeling of protein sequence and biophysical properties (such as structural, functional, and spatial information, amino acid conservation, physicochemical variation, residue mobility, and thermodynamic stability) performed at Invitae indicates that this missense variant is not expected to disrupt AMN protein function. In summary, the available evidence is currently insufficient to determine the role of this variant in disease. Therefore, it has been classified as a Variant of Uncertain Significance.

Baylor Genetics
Classification: Uncertain significance for Imerslund-Grasbeck syndrome type 1. Last evaluated: 2018-01-24. Review status: criteria provided, single submitter. Criteria: ACMG Guidelines, 2015. Collection method: clinical testing. Allele origin: paternal. Affected: yes.
Comment: This variant was determined to be of uncertain significance according to ACMG Guidelines, 2015 [PMID:25741868].

Breakthrough Genomics
Classification: Uncertain significance. Review status: criteria provided, single submitter. Criteria: ACMG Guidelines, 2015. Collection method: not provided. Allele origin: germline. Inheritance: Autosomal recessive inheritance. Affected: yes.

NM_030943.4(AMN):c.1324G>A (p.Val442Ile)

Gene: AMN (amnion associated transmembrane protein; plus strand). Cytogenetic location: 14q32.32.
Variant type: single nucleotide variant.
Coding change: c.1324G>A on transcript NM_030943.4 (MANE Select); coding-DNA position 1324, G replaced by A.
Protein change: p.Val442Ile; replaces valine 442 with isoleucine.
Molecular consequence: missense variant.
Genome position (GRCh38, 1-based): chr14:102,930,642, G>A. VCF-style: chr14-102930642-G-A. GRCh37 (hg19) VCF-style: chr14-103396979-G-A.
Other names: short protein forms V442I.
Identifiers: ClinVar variation 1032915 (VCV001032915.6), dbSNP rs760175392, ClinGen allele CA7360105.